The following is an entry in ClinVar:

ClinVar aggregate classification (germline): Conflicting classifications of pathogenicity. Review status: criteria provided, conflicting classifications (1 of 4 stars). 2 submissions from 2 submitters: Uncertain significance (1); Benign (1). Last evaluated 2023-02-28.

Conditions:
Cataract 12 multiple types. Identifiers: Orphanet 91492, MedGen C3808115, MONDO:0012701, OMIM 611597.

Allele frequency attached by ClinVar (database versions not stated): gnomAD 0.00001 and 0.00003; TOPMed 0.00003; gnomAD exomes 0.00004; ExAC 0.00006; 1000 Genomes Project 30x 0.00016; 1000 Genomes Project 0.00020.
gnomAD v4.1: 45 of 1,614,020 alleles (0.0028%); highest among the groups gnomAD compares: East Asian, 0.1%; no homozygotes.

Submissions (2):

Ambry Genetics
Classification: Uncertain significance. Last evaluated: 2023-02-28. Review status: criteria provided, single submitter. Criteria: Ambry Variant Classification Scheme 2023. Collection method: clinical testing. Allele origin: germline.

Illumina Laboratory Services, Illumina
Classification: Benign for Cataract 12 multiple types. Last evaluated: 2018-01-12. Review status: criteria provided, single submitter. Criteria: ICSL Variant Classification Criteria 13 December 2019. Collection method: clinical testing. Allele origin: germline.
Comment: This variant was observed in the ICSL laboratory as part of a predisposition screen in an ostensibly healthy population. It had not been previously curated by ICSL or reported in the Human Gene Mutation Database (HGMD: prior to June 1st, 2018), and was therefore a candidate for classification through an automated scoring system. Utilizing variant allele frequency, disease prevalence and penetrance estimates, and inheritance mode, an automated score was calculated to assess if this variant is too frequent to cause the disease. Based on the score and internal cut-off values, a variant classified as benign is not then subjected to further curation. The score for this variant resulted in a classification of benign for this disease.

NM_003571.4(BFSP2):c.100T>C (p.Ser34Pro)

Gene: BFSP2 (beaded filament structural protein 2; plus strand). Cytogenetic location: 3q22.1.
Variant type: single nucleotide variant.
Coding change: c.100T>C on transcript NM_003571.4 (MANE Select); coding-DNA position 100, T replaced by C.
Protein change: p.Ser34Pro; replaces serine 34 with proline.
Molecular consequence: missense variant.
Genome position (GRCh38, 1-based): chr3:133,400,183, T>C. VCF-style: chr3-133400183-T-C. GRCh37 (hg19) VCF-style: chr3-133119027-T-C.
Other names: short protein forms S34P.
Identifiers: ClinVar variation 343399 (VCV000343399.6), dbSNP rs200208769, ClinGen allele CA2623173.